The following is an entry in ClinVar:

ClinVar aggregate classification (germline): Uncertain significance (1 of 4 stars; one submission).

Submission:

Labcorp Genetics (formerly Invitae), Labcorp
Classification: Uncertain significance. Last evaluated: 2025-02-03. Review status: criteria provided, single submitter. Criteria: Invitae Variant Classification Sherloc (09022015). Collection method: clinical testing. Allele origin: germline.
Comment: This sequence change replaces glycine, which is neutral and non-polar, with serine, which is neutral and polar, at codon 2383 of the EYS protein (p.Gly2383Ser). This variant is not present in population databases (gnomAD no frequency). This variant has not been reported in the literature in individuals affected with EYS-related conditions. ClinVar contains an entry for this variant (Variation ID: 1442069). An algorithm developed to predict the effect of missense changes on protein structure and function outputs the following: PolyPhen-2: "Probably Damaging". The serine amino acid residue is found in multiple mammalian species, which suggests that this missense change does not adversely affect protein function. In summary, the available evidence is currently insufficient to determine the role of this variant in disease. Therefore, it has been classified as a Variant of Uncertain Significance.

NM_001142800.2(EYS):c.7147G>A (p.Gly2383Ser)

Gene: EYS (EGF-like photoreceptor maintenance factor; minus strand). Cytogenetic location: 6q12.
Variant type: single nucleotide variant.
Coding change: c.7147G>A on transcript NM_001142800.2 (MANE Select); coding-DNA position 7147, G replaced by A.
Protein change: p.Gly2383Ser; replaces glycine 2383 with serine.
Molecular consequence: missense variant.
Genome position (GRCh38, 1-based): chr6:63,864,267, C>T on the plus strand (G>A on the coding strand, the complement: EYS is on the minus strand). VCF-style: chr6-63864267-C-T. GRCh37 (hg19) VCF-style: chr6-64574160-C-T.
Other names: c.7147G>A, p.Gly2383Ser (NM_001292009.2); short protein forms G2383S.
Identifiers: ClinVar variation 1442069 (VCV001442069.6), dbSNP rs1374599500, ClinGen allele CA364386469.